The following is an entry in ClinVar:

NM_002109.6(HARS1):c.218G>A (p.Arg73His)

Gene: HARS1 (histidyl-tRNA synthetase 1; minus strand). Cytogenetic location: 5q31.3.
Variant type: single nucleotide variant.
Coding change: c.218G>A on transcript NM_002109.6 (MANE Select); coding-DNA position 218, G replaced by A.
Protein change: p.Arg73His; replaces arginine 73 with histidine.
Molecular consequence: missense variant. On other transcripts: intron variant (3).
Genome position (GRCh38, 1-based): chr5:140,683,182, C>T on the plus strand (G>A on the coding strand, the complement: HARS1 is on the minus strand). VCF-style: chr5-140683182-C-T. GRCh37 (hg19) VCF-style: chr5-140062767-C-T.
Other names: p.Arg73His; c.218G>A (NM_002109.3); c.218G>A, p.Arg73His (NM_001258041.3, NM_001289092.2); c.131G>A, p.Arg44His (NM_001289094.2); c.181-5167G>A (NM_001289093.2); c.181-3299G>A (NM_001258042.3, NM_001258040.3); short protein forms R73H, R44H.
Identifiers: ClinVar variation 578146 (VCV000578146.12), dbSNP rs767325912, ClinGen allele CA3444162.

ClinVar aggregate classification (germline): Uncertain significance. Review status: criteria provided, multiple submitters, no conflicts (2 of 4 stars). 4 submissions from 4 submitters: Uncertain significance (4). Last evaluated 2025-06-20.

Conditions:
Usher syndrome type 3B. Also called: USHER SYNDROME, TYPE IIIB. Identifiers: MedGen C3281066, MONDO:0013788, OMIM 614504.

Allele frequency attached by ClinVar (database versions not stated): TOPMed 0.00001; ExAC 0.00002; gnomAD 0.00003; gnomAD exomes 0.00003 and 0.00004.

Submissions (4):

Labcorp Genetics (formerly Invitae), Labcorp
Classification: Uncertain significance for Usher syndrome type 3B. Last evaluated: 2025-06-20. Review status: criteria provided, single submitter. Criteria: Invitae Variant Classification Sherloc (09022015). Collection method: clinical testing. Allele origin: germline.
Comment: This sequence change replaces arginine, which is basic and polar, with histidine, which is basic and polar, at codon 73 of the HARS protein (p.Arg73His). This variant is present in population databases (rs767325912, gnomAD 0.007%). This variant has not been reported in the literature in individuals affected with HARS-related conditions. ClinVar contains an entry for this variant (Variation ID: 578146). Invitae Evidence Modeling of protein sequence and biophysical properties (such as structural, functional, and spatial information, amino acid conservation, physicochemical variation, residue mobility, and thermodynamic stability) indicates that this missense variant is expected to disrupt HARS protein function with a positive predictive value of 80%. In summary, the available evidence is currently insufficient to determine the role of this variant in disease. Therefore, it has been classified as a Variant of Uncertain Significance.

Ambry Genetics
Classification: Uncertain significance. Last evaluated: 2025-01-08. Review status: criteria provided, single submitter. Criteria: Ambry Variant Classification Scheme 2023. Collection method: clinical testing. Allele origin: germline.

Blueprint Genetics
Classification: Uncertain significance. Last evaluated: 2024-09-10. Review status: criteria provided, single submitter. Criteria: ACMG Guidelines, 2015. Collection method: clinical testing. Allele origin: germline.

Mayo Clinic Laboratories, Mayo Clinic
Classification: Uncertain significance. Last evaluated: 2024-09-06. Review status: criteria provided, single submitter. Criteria: ACMG Guidelines, 2015. Collection method: clinical testing. Allele origin: germline. Observed: 1 variant allele.
Comment: PM2_supporting